The following is an entry in ClinVar:

ClinVar aggregate classification (germline): Benign. Review status: criteria provided, multiple submitters, no conflicts (2 of 4 stars). 6 submissions from 6 submitters: Benign (5). 1 of the submissions does not count toward it. Last evaluated 2026-02-04.

Conditions:
Acute infantile liver failure due to synthesis defect of mtDNA-encoded proteins. Also called: Liver failure acute infantile; TRMU Deficiency; LIVER FAILURE, INFANTILE, TRANSIENT. Identifiers: Orphanet 217371, MedGen C3278664, MONDO:0013111, OMIM 613070.

Allele frequency attached by ClinVar (database versions not stated): gnomAD 0.00065 and 0.00119; TOPMed 0.00161; 1000 Genomes Project 0.00779; 1000 Genomes Project 30x 0.00796.
gnomAD v4.1: 2,022 of 1,550,448 alleles (0.13%); highest among the groups gnomAD compares: East Asian, 4.6%; 60 homozygotes.

Submissions (6):

Labcorp Genetics (formerly Invitae), Labcorp
Classification: Benign. Last evaluated: 2026-02-04. Review status: criteria provided, single submitter. Criteria: Invitae Variant Classification Sherloc (09022015). Collection method: clinical testing. Allele origin: germline.

Mayo Clinic Laboratories, Mayo Clinic
Classification: Benign. Last evaluated: 2024-03-14. Review status: criteria provided, single submitter. Criteria: ACMG Guidelines, 2015. Collection method: clinical testing. Allele origin: germline. Observed: 2 variant alleles.
Comment: BA1, BP4

Illumina Laboratory Services, Illumina
Classification: Benign for Acute infantile liver failure due to synthesis defect of mtDNA-encoded proteins. Last evaluated: 2018-01-13. Review status: criteria provided, single submitter. Criteria: ICSL Variant Classification Criteria 13 December 2019. Collection method: clinical testing. Allele origin: germline.
Comment: This variant was observed in the ICSL laboratory as part of a predisposition screen in an ostensibly healthy population. It had not been previously curated by ICSL or reported in the Human Gene Mutation Database (HGMD: prior to June 1st, 2018), and was therefore a candidate for classification through an automated scoring system. Utilizing variant allele frequency, disease prevalence and penetrance estimates, and inheritance mode, an automated score was calculated to assess if this variant is too frequent to cause the disease. Based on the score and internal cut-off values, a variant classified as benign is not then subjected to further curation. The score for this variant resulted in a classification of benign for this disease.

Eurofins Ntd Llc (ga)
Classification: Benign. Last evaluated: 2015-04-24. Review status: criteria provided, single submitter. Criteria: EGL Classification Definitions 2015. Collection method: clinical testing. Allele origin: germline. Observed: 1 variant allele, 1 heterozygote.

GeneDx
Classification: Benign. Last evaluated: 2013-10-04. Review status: criteria provided, single submitter. Criteria: GeneDx Variant Classification (06012015). Collection method: clinical testing. Allele origin: germline. Affected: yes.
Comment: This variant is considered likely benign or benign based on one or more of the following criteria: it is a conservative change, it occurs at a poorly conserved position in the protein, it is predicted to be benign by multiple in silico algorithms, and/or has population frequency not consistent with disease.

Natera, Inc.
Classification: Benign for Acute infantile liver failure due to synthesis defect of mtDNA-encoded proteins. Last evaluated: 2021-02-26. Review status: no assertion criteria provided. Collection method: clinical testing. Allele origin: germline. Not counted in ClinVar's aggregate classification.

NM_018006.5(TRMU):c.75G>T (p.Arg25Ser)

Gene: TRMU (tRNA mitochondrial 2-thiouridylase; plus strand). Cytogenetic location: 22q13.31.
Variant type: single nucleotide variant.
Coding change: c.75G>T on transcript NM_018006.5 (MANE Select); coding-DNA position 75, G replaced by T.
Protein change: p.Arg25Ser; replaces arginine 25 with serine.
Molecular consequence: missense variant. On other transcripts: 5 prime UTR variant (3), non-coding transcript variant (2).
Genome position (GRCh38, 1-based): chr22:46,335,839, G>T. VCF-style: chr22-46335839-G-T. GRCh37 (hg19) VCF-style: chr22-46731736-G-T.
Other names: p.R25S:AGG>AGT; c.-161G>T (NM_001282782.2); c.-180G>T (NM_001282783.2, NM_001282784.2); c.75G>T, p.Arg25Ser (NM_001282785.2); short protein forms R25S.
Identifiers: ClinVar variation 137721 (VCV000137721.22), dbSNP rs2272938, ClinGen allele CA302704.